The following is an entry in ClinVar:

ClinVar aggregate classification (germline): Benign. Review status: criteria provided, multiple submitters, no conflicts (2 of 4 stars). 3 submissions from 3 submitters: Benign (3). Last evaluated 2018-11-10.

Conditions:
Cataract 6 multiple types. Also called: CATARACT, AGE-RELATED CORTICAL, 2; CATARACT 6, POSTERIOR POLAR; CATARACT 6, CONGENITAL TOTAL. Identifiers: Orphanet 91492, MedGen C1861825, MONDO:0007288, OMIM 116600.

Allele frequency attached by ClinVar (database versions not stated): 1000 Genomes Project 30x 0.02280; gnomAD exomes 0.00226; gnomAD 0.01794 and 0.01917; 1000 Genomes Project 0.02196; TOPMed 0.02042.
gnomAD v4.1: 4,027 of 686,488 alleles (0.59%); highest among the groups gnomAD compares: African/African-American, 6%; 126 homozygotes.

Submissions (3):

GeneDx
Classification: Benign. Last evaluated: 2018-11-10. Review status: criteria provided, single submitter. Criteria: GeneDx Variant Classification Process June 2021. Collection method: clinical testing. Allele origin: germline. Affected: yes.

Illumina Laboratory Services, Illumina
Classification: Benign for Cataract 6 multiple types. Last evaluated: 2018-01-13. Review status: criteria provided, single submitter. Criteria: ICSL Variant Classification Criteria 13 December 2019. Collection method: clinical testing. Allele origin: germline.
Comment: This variant was observed in the ICSL laboratory as part of a predisposition screen in an ostensibly healthy population. It had not been previously curated by ICSL or reported in the Human Gene Mutation Database (HGMD: prior to June 1st, 2018), and was therefore a candidate for classification through an automated scoring system. Utilizing variant allele frequency, disease prevalence and penetrance estimates, and inheritance mode, an automated score was calculated to assess if this variant is too frequent to cause the disease. Based on the score and internal cut-off values, a variant classified as benign is not then subjected to further curation. The score for this variant resulted in a classification of benign for this disease.

Breakthrough Genomics
Classification: Benign. Review status: criteria provided, single submitter. Criteria: ACMG Guidelines, 2015. Collection method: not provided. Allele origin: germline. Inheritance: Autosomal dominant inheritance. Affected: yes.

NM_004431.5(EPHA2):c.*166G>A

Gene: EPHA2 (EPH receptor A2; minus strand). Cytogenetic location: 1p36.13.
Variant type: single nucleotide variant.
Coding change: c.*166G>A on transcript NM_004431.5 (MANE Select); 166 bases downstream of the stop codon, G replaced by A.
Molecular consequence: 3 prime UTR variant.
Genome position (GRCh38, 1-based): chr1:16,125,049, C>T on the plus strand (G>A on the coding strand, the complement: EPHA2 is on the minus strand). VCF-style: chr1-16125049-C-T. GRCh37 (hg19) VCF-style: chr1-16451544-C-T.
Other names: c.*166G>A (NM_001329090.2).
Identifiers: ClinVar variation 293404 (VCV000293404.7), dbSNP rs11543935, ClinGen allele CA10608563.
Genomic context (GRCh38, chr1:16,125,049, plus strand): 5'-TGCTCAGCTGTGTGCGTCTCGCAGGGAAAGAGGGCCCAGCCCAGCATCCCTGGTCATCTC[C>T]TCAGTTCAGGCCAGGGTGTCATCCGAGACCCCTCAGCGGAAGTTGCAGGGGGAGGAAAGA-3'